The following is an entry in ClinVar:

ClinVar aggregate classification (germline): Uncertain significance (1 of 4 stars; one submission).

Submission:

Ambry Genetics
Classification: Uncertain significance. Last evaluated: 2022-03-16. Review status: criteria provided, single submitter. Criteria: Ambry Variant Classification Scheme 2023. Collection method: clinical testing. Allele origin: germline.
Comment: The p.R1020S variant (also known as c.3060A>C), located in coding exon 24 of the BUB1 gene, results from an A to C substitution at nucleotide position 3060. The arginine at codon 1020 is replaced by serine, an amino acid with dissimilar properties. This amino acid position is conserved. In addition, this alteration is predicted to be tolerated by in silico analysis. Since supporting evidence is limited at this time, the clinical significance of this alteration remains unclear.

NM_004336.5(BUB1):c.3060A>C (p.Arg1020Ser)

Gene: BUB1 (BUB1 mitotic checkpoint serine/threonine kinase; minus strand). Cytogenetic location: 2q13.
Variant type: single nucleotide variant.
Coding change: c.3060A>C on transcript NM_004336.5 (MANE Select); coding-DNA position 3060, A replaced by C.
Protein change: p.Arg1020Ser; replaces arginine 1020 with serine.
Molecular consequence: missense variant.
Genome position (GRCh38, 1-based): chr2:110,639,744, T>G on the plus strand (A>C on the coding strand, the complement: BUB1 is on the minus strand). VCF-style: chr2-110639744-T-G. GRCh37 (hg19) VCF-style: chr2-111397321-T-G.
Other names: c.3000A>C, p.Arg1000Ser (NM_001278616.2); c.2889A>C, p.Arg963Ser (NM_001278617.2); short protein forms R1000S, R963S, R1020S.
Identifiers: ClinVar variation 1799367 (VCV001799367.2), dbSNP rs2467966967, ClinGen allele CA348088664.